The following is an entry in ClinVar:

ClinVar aggregate classification (germline): Benign/Likely benign. Review status: criteria provided, multiple submitters, no conflicts (2 of 4 stars). 5 submissions from 4 submitters: Benign (3); Likely benign (2). Last evaluated 2026-01-24.

Conditions:
Retinitis pigmentosa (RP). Identifiers: Orphanet 791, MedGen C0035334, MeSH D012174, MONDO:0019200, OMIM 268000. Inheritance: Autosomal dominant, autosomal recessive and X linked inheritance.
Congenital stationary night blindness autosomal dominant 2. Also called: NIGHT BLINDNESS, CONGENITAL STATIONARY, RAMBUSCH TYPE. Identifiers: Orphanet 215, MedGen C1876182, MONDO:0008099, OMIM 163500.

Allele frequency attached by ClinVar (database versions not stated): gnomAD exomes 0.00617; ExAC 0.00765; gnomAD 0.02413 and 0.02570; 1000 Genomes Project 0.02456; 1000 Genomes Project 30x 0.02561; ESP Exome Variant Server 0.02737; TOPMed 0.02755.
gnomAD v4.1: 7,156 of 1,613,416 alleles (0.44%); highest among the groups gnomAD compares: African/African-American, 8.4%; 267 homozygotes.

Submissions (5):

Labcorp Genetics (formerly Invitae), Labcorp
Classification: Benign. Last evaluated: 2026-01-24. Review status: criteria provided, single submitter. Criteria: Invitae Variant Classification Sherloc (09022015). Collection method: clinical testing. Allele origin: germline.

Illumina Laboratory Services, Illumina
Classification: Likely benign for Retinitis pigmentosa. Last evaluated: 2018-01-12. Review status: criteria provided, single submitter. Criteria: ICSL Variant Classification Criteria 13 December 2019. Collection method: clinical testing. Allele origin: germline.
Comment: This variant was observed in the ICSL laboratory as part of a predisposition screen in an ostensibly healthy population. It had not been previously curated by ICSL or reported in the Human Gene Mutation Database (HGMD: prior to June 1st, 2018), and was therefore a candidate for classification through an automated scoring system. Utilizing variant allele frequency, disease prevalence and penetrance estimates, and inheritance mode, an automated score was calculated to assess if this variant is too frequent to cause the disease. Based on the score and internal cut-off values, a variant classified as likely benign is not then subjected to further curation. The score for this variant resulted in a classification of likely benign for this disease.

Illumina Laboratory Services, Illumina
Classification: Benign for Congenital stationary night blindness autosomal dominant 2. Last evaluated: 2018-01-12. Review status: criteria provided, single submitter. Criteria: ICSL Variant Classification Criteria 13 December 2019. Collection method: clinical testing. Allele origin: germline.
Comment: This variant was observed in the ICSL laboratory as part of a predisposition screen in an ostensibly healthy population. It had not been previously curated by ICSL or reported in the Human Gene Mutation Database (HGMD: prior to June 1st, 2018), and was therefore a candidate for classification through an automated scoring system. Utilizing variant allele frequency, disease prevalence and penetrance estimates, and inheritance mode, an automated score was calculated to assess if this variant is too frequent to cause the disease. Based on the score and internal cut-off values, a variant classified as benign is not then subjected to further curation. The score for this variant resulted in a classification of benign for this disease.

GeneDx
Classification: Benign. Last evaluated: 2016-12-09. Review status: criteria provided, single submitter. Criteria: GeneDx Variant Classification (06012015). Collection method: clinical testing. Allele origin: germline. Affected: yes.
Comment: This variant is considered likely benign or benign based on one or more of the following criteria: it is a conservative change, it occurs at a poorly conserved position in the protein, it is predicted to be benign by multiple in silico algorithms, and/or has population frequency not consistent with disease.

Breakthrough Genomics
Classification: Likely benign. Review status: criteria provided, single submitter. Criteria: ACMG Guidelines, 2015. Collection method: not provided. Allele origin: germline. Inheritance: Autosomal recessive inheritance. Affected: yes.

NM_000283.4(PDE6B):c.123G>A (p.Pro41=)

Gene: PDE6B (phosphodiesterase 6B; plus strand). Cytogenetic location: 4p16.3.
Variant type: single nucleotide variant.
Coding change: c.123G>A on transcript NM_000283.4 (MANE Select); coding-DNA position 123, G replaced by A.
Protein change: p.Pro41=; no amino-acid change (proline 41 retained).
Molecular consequence: synonymous variant.
Genome position (GRCh38, 1-based): chr4:625,749, G>A. VCF-style: chr4-625749-G-A. GRCh37 (hg19) VCF-style: chr4-619538-G-A.
Other names: c.123G>A, p.Pro41= (NM_001145291.2).
Identifiers: ClinVar variation 349287 (VCV000349287.16), dbSNP rs113459274, ClinGen allele CA2793848.